The following is an entry in ClinVar:

ClinVar aggregate classification (germline): Pathogenic (0 of 4 stars; one submission).

Conditions:
Congenital fibrosarcoma. Also called: Infantile fibrosarcoma. Identifiers: MedGen C0334459, MONDO:0004557.

Submission:

Michigan Center for Translational Pathology, University of Michigan
Classification: Pathogenic for Infantile Fibrosarcoma. Last evaluated: 2018-12-13. Review status: no assertion criteria provided. Collection method: clinical testing. Allele origin: somatic. Inheritance: Somatic mutation. Affected: yes.
Comment: The LMNAâ€“NTRK1 fusion protein encodes a coiled-coil dimerization domain of LMNA fused to the tyrosine kinase domain of NTRK1. LMNAâ€“NTRK1 fusions have been implicated in a number of malignancies, including Spitz nevi (Wiesner et al. 2014), colorectal cancer (Sartore-Bianchi et al. 2015), lung cancer (Vaishnavi et al. 2013), soft-tissue sarcomas (Florian et al. 2016; Wong et al. 2016; Kohsaka et al. 2018), and a rare case of infantile-onset lipofibromatosis-like neural tumor (Bartenstein et al. 2018).

LMNA-NTRK1 fusion

Genes: IQGAP3 (IQ motif containing GTPase activating protein 3; minus strand), RHBG (Rh family B glycoprotein; plus strand), SEMA4A (semaphorin 4A; plus strand), SH2D2A (SH2 domain containing 2A; minus strand), TTC24 (tetratricopeptide repeat domain 24; plus strand) and 28 more. Cytogenetic location: 1q22-23.1.
Variant type: fusion.
Identifiers: ClinVar variation 617477 (VCV000617477.2).